The following is an entry in ClinVar:

NM_002972.4(SBF1):c.2344C>T (p.Arg782Cys)

Gene: SBF1 (SET binding factor 1; minus strand). Cytogenetic location: 22q13.33.
Variant type: single nucleotide variant.
Coding change: c.2344C>T on transcript NM_002972.4 (MANE Select); coding-DNA position 2344, C replaced by T.
Protein change: p.Arg782Cys; replaces arginine 782 with cysteine.
Molecular consequence: missense variant.
Genome position (GRCh38, 1-based): chr22:50,462,257, G>A on the plus strand (C>T on the coding strand, the complement: SBF1 is on the minus strand). VCF-style: chr22-50462257-G-A. GRCh37 (hg19) VCF-style: chr22-50900686-G-A.
Other names: c.2347C>T, p.Arg783Cys (NM_001365819.1); short protein forms R782C, R783C.
Identifiers: ClinVar variation 1381192 (VCV001381192.9), dbSNP rs368118073, ClinGen allele CA10317268.

ClinVar aggregate classification (germline): Uncertain significance. Review status: criteria provided, multiple submitters, no conflicts (2 of 4 stars). 3 submissions from 3 submitters: Uncertain significance (3). Last evaluated 2026-01-09.

Allele frequency attached by ClinVar (database versions not stated): gnomAD exomes 0.00001 and 0.00005; ExAC 0.00002; gnomAD 0.00004 and 0.00005; TOPMed 0.00006; ESP Exome Variant Server 0.00008.
gnomAD v4.1: 88 of 1,610,458 alleles (0.0055%); highest among the groups gnomAD compares: Non-Finnish European, 0.0064%; no homozygotes.

Submissions (3):

Women's Health and Genetics/Laboratory Corporation of America, LabCorp
Classification: Uncertain significance. Last evaluated: 2026-01-09. Review status: criteria provided, single submitter. Criteria: LabCorp Variant Classification Summary - May 2015. Collection method: clinical testing. Allele origin: germline.
Comment: Variant summary: SBF1 c.2344C>T (p.Arg782Cys) results in a non-conservative amino acid change in the encoded protein sequence. Algorithms developed to predict the effect of missense changes on protein structure and function are either unavailable or do not agree on the potential impact of this missense change. The variant allele was found at a frequency of 1.2e-05 in 246662 control chromosomes. The available data on variant occurrences in the general population are insufficient to allow any conclusion about variant significance. To our knowledge, no occurrence of c.2344C>T in individuals affected with SBF1-related conditions and no experimental evidence demonstrating its impact on protein function have been reported. ClinVar contains an entry for this variant (Variation ID: 1381192). Based on the evidence outlined above, the variant was classified as uncertain significance.

Labcorp Genetics (formerly Invitae), Labcorp
Classification: Uncertain significance. Last evaluated: 2024-11-19. Review status: criteria provided, single submitter. Criteria: Invitae Variant Classification Sherloc (09022015). Collection method: clinical testing. Allele origin: germline.
Comment: This sequence change replaces arginine, which is basic and polar, with cysteine, which is neutral and slightly polar, at codon 782 of the SBF1 protein (p.Arg782Cys). This variant is present in population databases (rs368118073, gnomAD 0.004%). This variant has not been reported in the literature in individuals affected with SBF1-related conditions. ClinVar contains an entry for this variant (Variation ID: 1381192). An algorithm developed to predict the effect of missense changes on protein structure and function (PolyPhen-2) suggests that this variant is likely to be disruptive. In summary, the available evidence is currently insufficient to determine the role of this variant in disease. Therefore, it has been classified as a Variant of Uncertain Significance.

Breakthrough Genomics
Classification: Uncertain significance. Review status: criteria provided, single submitter. Criteria: ACMG Guidelines, 2015. Collection method: not provided. Allele origin: germline. Inheritance: Autosomal dominant inheritance. Affected: yes.